The following is an entry in ClinVar:

NM_001198950.3(MYO16):c.4265C>T (p.Ala1422Val)

Gene: MYO16 (myosin XVI; plus strand). Cytogenetic location: 13q33.3.
Variant type: single nucleotide variant.
Coding change: c.4265C>T on transcript NM_001198950.3 (MANE Select); coding-DNA position 4265, C replaced by T.
Protein change: p.Ala1422Val; replaces alanine 1422 with valine.
Molecular consequence: missense variant.
Genome position (GRCh38, 1-based): chr13:109,140,477, C>T. VCF-style: chr13-109140477-C-T. GRCh37 (hg19) VCF-style: chr13-109792825-C-T.
Other names: c.4199C>T, p.Ala1400Val (NM_015011.3); short protein forms A1400V, A1422V.
Identifiers: ClinVar variation 3037724 (VCV003037724.16), dbSNP rs199777754, ClinGen allele CA7045668.

ClinVar aggregate classification (germline): Benign. Review status: criteria provided, single submitter (1 of 4 stars). 2 submissions from 2 submitters: Benign (1). 1 of the submissions does not count toward it. Last evaluated 2024-11-01.

Conditions:
MYO16-related disorder. Also called: MYO16-related condition.

Allele frequency attached by ClinVar (database versions not stated): 1000 Genomes Project 30x 0.00437; 1000 Genomes Project 0.00579; ESP Exome Variant Server 0.00628; TOPMed 0.00733; gnomAD 0.00963; ExAC 0.01549.
gnomAD v4.1: 18,349 of 1,537,932 alleles (1.2%); highest among the groups gnomAD compares: Non-Finnish European, 1.4%; 137 homozygotes.

Submissions (2):

CeGaT Center for Human Genetics Tuebingen
Classification: Benign. Last evaluated: 2024-11-01. Review status: criteria provided, single submitter. Criteria: CeGaT Center For Human Genetics Tuebingen Variant Classification Criteria Version 2. Collection method: clinical testing. Allele origin: germline. Affected: yes. Observed: 1 variant allele.
Comment: MYO16: BS1, BS2

PreventionGenetics, part of Exact Sciences
Classification: Benign for MYO16-related condition. Last evaluated: 2019-03-06. Review status: no assertion criteria provided. Collection method: clinical testing. Allele origin: germline. Not counted in ClinVar's aggregate classification.
Comment: This variant is classified as benign based on ACMG/AMP sequence variant interpretation guidelines (Richards et al. 2015 PMID: 25741868, with internal and published modifications).